The following is an entry in ClinVar:

NM_033337.3(CAV3):c.401C>A (p.Ala134Glu)

Genes: CAV3 (caveolin 3; plus strand), OXTR (oxytocin receptor; minus strand). Cytogenetic location: 3p25.3.
Variant type: single nucleotide variant.
Coding change: c.401C>A on transcript NM_033337.3 (MANE Select); coding-DNA position 401, C replaced by A.
Protein change: p.Ala134Glu; replaces alanine 134 with glutamic acid.
Molecular consequence: missense variant.
Genome position (GRCh38, 1-based): chr3:8,745,812, C>A. VCF-style: chr3-8745812-C-A. GRCh37 (hg19) VCF-style: chr3-8787498-C-A.
Other names: c.401C>A, p.Ala134Glu (NM_001234.5); short protein forms A134E.
Identifiers: ClinVar variation 2587092 (VCV002587092.5), dbSNP rs201267913, ClinGen allele CA2236365.

ClinVar aggregate classification (germline): Uncertain significance. Review status: criteria provided, multiple submitters, no conflicts (2 of 4 stars). 2 submissions from 2 submitters: Uncertain significance (2). Last evaluated 2023-10-11.

Conditions:
Cardiovascular phenotype. Identifiers: MedGen CN230736.
Long QT syndrome (LQTS). Identifiers: MedGen C0023976, MeSH D008133, MONDO:0002442. Disease mechanism: loss of function. Inheritance: Various modes of inheritance.

gnomAD v4.1: 1 of 1,613,810 alleles (0.000062%); highest among the groups gnomAD compares: Admixed American, 0.0017%; no homozygotes.

Submissions (2):

Labcorp Genetics (formerly Invitae), Labcorp
Classification: Uncertain significance for Long QT syndrome. Last evaluated: 2023-10-11. Review status: criteria provided, single submitter. Criteria: Invitae Variant Classification Sherloc (09022015). Collection method: clinical testing. Allele origin: germline.
Comment: This sequence change replaces alanine, which is neutral and non-polar, with glutamic acid, which is acidic and polar, at codon 134 of the CAV3 protein (p.Ala134Glu). The frequency data for this variant in the population databases is considered unreliable, as metrics indicate poor data quality at this position in the gnomAD database. This variant has not been reported in the literature in individuals affected with CAV3-related conditions. An algorithm developed to predict the effect of missense changes on protein structure and function (PolyPhen-2) suggests that this variant is likely to be tolerated. In summary, the available evidence is currently insufficient to determine the role of this variant in disease. Therefore, it has been classified as a Variant of Uncertain Significance.

Ambry Genetics
Classification: Uncertain significance for Cardiovascular phenotype. Last evaluated: 2023-09-14. Review status: criteria provided, single submitter. Criteria: Ambry Variant Classification Scheme 2023. Collection method: clinical testing. Allele origin: germline.
Comment: The p.A134E variant (also known as c.401C>A), located in coding exon 2 of the CAV3 gene, results from a C to A substitution at nucleotide position 401. The alanine at codon 134 is replaced by glutamic acid, an amino acid with dissimilar properties. This amino acid position is not well conserved in available vertebrate species. In addition, the in silico prediction for this alteration is inconclusive. Since supporting evidence is limited at this time, the clinical significance of this alteration remains unclear.